The following is an entry in ClinVar:

ClinVar aggregate classification (germline): Uncertain significance (1 of 4 stars; one submission).

Allele frequency attached by ClinVar (database versions not stated): ExAC 0.00001; TOPMed 0.00001.

Submission:

Ambry Genetics
Classification: Uncertain significance. Last evaluated: 2021-06-13. Review status: criteria provided, single submitter. Criteria: Ambry Variant Classification Scheme 2023. Collection method: clinical testing. Allele origin: germline.
Comment: The p.V1082I variant (also known as c.3244G>A), located in coding exon 4 of the ALPK2 gene, results from a G to A substitution at nucleotide position 3244. The valine at codon 1082 is replaced by isoleucine, an amino acid with highly similar properties. This amino acid position is conserved. In addition, this alteration is predicted to be tolerated by in silico analysis. Since supporting evidence is limited at this time, the clinical significance of this alteration remains unclear.

NM_052947.4(ALPK2):c.3244G>A (p.Val1082Ile)

Gene: ALPK2 (alpha kinase 2; minus strand). Cytogenetic location: 18q21.31.
Variant type: single nucleotide variant.
Coding change: c.3244G>A on transcript NM_052947.4 (MANE Select); coding-DNA position 3244, G replaced by A.
Protein change: p.Val1082Ile; replaces valine 1082 with isoleucine.
Molecular consequence: missense variant.
Genome position (GRCh38, 1-based): chr18:58,536,943, C>T on the plus strand (G>A on the coding strand, the complement: ALPK2 is on the minus strand). VCF-style: chr18-58536943-C-T. GRCh37 (hg19) VCF-style: chr18-56204175-C-T.
Other names: short protein forms V1082I.
Identifiers: ClinVar variation 1729333 (VCV001729333.2), dbSNP rs761517693, ClinGen allele CA8976938.
Genomic context (GRCh38, chr18:58,536,943, plus strand): 5'-GAAGAGGGGAATTACTGCAGAAACCCTCTCCCTCTGGGAGCTGCAGGACATGGTGTGGGA[C>T]TCCTGGCACACTGGGTGCCCTGCAAAGTAGCTCTTTTGTAGATTTGATGGTAGCACCACT-3'
Protein context (NP_443179.3, residues 1072-1092): LLCRAPSVPG[Val1082Ile]PHHVLQLPEG